The following is an entry in ClinVar:

ClinVar aggregate classification (germline): Uncertain significance (1 of 4 stars; one submission).

Conditions:
Bryant-Li-Bhoj neurodevelopmental syndrome 1 (BRYLIB1). Identifiers: MedGen C5676905, MONDO:0030606, OMIM 619720.

Submission:

Juno Genomics, Hangzhou Juno Genomics, Inc
Classification: Uncertain significance for Bryant-Li-Bhoj neurodevelopmental syndrome 1. Review status: criteria provided, single submitter. Criteria: ACMG Guidelines, 2015. Collection method: clinical testing. Allele origin: germline. Affected: yes.
Comment: Absent from controls (or at extremely low frequency if recessive) in Genome Aggregation Database.;De novo (both maternity and paternity confirmed) in a patient with the disease and no family history.;Multiple lines of computational evidence suggest no impact on gene or gene product.;Patient's phenotype or family history is highly specific for a disease with a single genetic etiology.;Located in a mutational hot spot and/or critical and well-established functional domain without benign variation.

NM_002107.7(H3-3A):c.35C>G (p.Thr12Ser)

Genes: H3-3A (H3.3 histone A; plus strand), LOC129932634 (ATAC-STARR-seq lymphoblastoid active region 2645; plus strand). Cytogenetic location: 1q42.12.
Variant type: single nucleotide variant.
Coding change: c.35C>G on transcript NM_002107.7 (MANE Select); coding-DNA position 35, C replaced by G.
Protein change: p.Thr12Ser; replaces threonine 12 with serine.
Molecular consequence: missense variant.
Genome position (GRCh38, 1-based): chr1:226,064,386, C>G. VCF-style: chr1-226064386-C-G. GRCh37 (hg19) VCF-style: chr1-226252087-C-G.
Other names: c.35C>G, p.Thr12Ser (NM_001379043.1, NM_001379045.1, NM_001379046.1 and 1 more transcripts); short protein forms T12S.
Identifiers: ClinVar variation 5018891 (VCV005018891.1).